The following is an entry in ClinVar:

ClinVar aggregate classification (germline): Likely pathogenic. Review status: criteria provided, multiple submitters, no conflicts (2 of 4 stars). 3 submissions from 3 submitters: Likely pathogenic (3). Last evaluated 2025-02-06.

Conditions:
Autosomal recessive osteopetrosis 1. Also called: TCIRG1-Related Osteopetrosis; ALBERS-SCHONBERG DISEASE, AUTOSOMAL RECESSIVE; TCIRG1-Related Autosomal Recessive Osteopetrosis. Identifiers: Orphanet 667, MedGen C1850127, MONDO:0009815, OMIM 259700.

Submissions (3):

Natera, Inc.
Classification: Likely pathogenic for Infantile malignant osteopetrosis. Last evaluated: 2025-02-06. Review status: criteria provided, single submitter. Criteria: Natera Variant Classification Schema (03/2026). Collection method: clinical testing. Allele origin: germline.
Comment: The c.2119-2A>C variant in TCIRG1 is a canonical splice acceptor site variant predicted to affect pre-mRNA splicing, which may result in an abnormal transcript and altered protein product. This variant is expected to result in nonsense mediated decay, truncation, or a dysfunctional protein product. This variant is rare in the general population with a frequency below the threshold expected for the associated phenotype(s). Given the available evidence, this variant is classified as Likely Pathogenic.

Baylor Genetics
Classification: Likely pathogenic for Autosomal recessive osteopetrosis 1. Last evaluated: 2023-12-21. Review status: criteria provided, single submitter. Criteria: ACMG Guidelines, 2015. Collection method: clinical testing. Allele origin: unknown.

Labcorp Genetics (formerly Invitae), Labcorp
Classification: Likely pathogenic. Last evaluated: 2023-03-18. Review status: criteria provided, single submitter. Criteria: Invitae Variant Classification Sherloc (09022015). Collection method: clinical testing. Allele origin: germline.
Comment: In summary, the currently available evidence indicates that the variant is pathogenic, but additional data are needed to prove that conclusively. Therefore, this variant has been classified as Likely Pathogenic. Algorithms developed to predict the effect of sequence changes on RNA splicing suggest that this variant may disrupt the consensus splice site. This variant is also known as c.2116-2A>C. Disruption of this splice site has been observed in individual(s) with TCIRG1-related conditions (PMID: 22231430). This variant is not present in population databases (gnomAD no frequency). This sequence change affects an acceptor splice site in intron 17 of the TCIRG1 gene. It is expected to disrupt RNA splicing. Variants that disrupt the donor or acceptor splice site typically lead to a loss of protein function (PMID: 16199547), and loss-of-function variants in TCIRG1 are known to be pathogenic (PMID: 10888887, 10942435, 11532986, 19448635).

Literature cited by the submitters: PubMed 22231430 (cited by Labcorp Genetics (formerly Invitae), Labcorp); PubMed 16199547 (cited by Labcorp Genetics (formerly Invitae), Labcorp); PubMed 10888887 (cited by Labcorp Genetics (formerly Invitae), Labcorp); PubMed 10942435 (cited by Labcorp Genetics (formerly Invitae), Labcorp); PubMed 11532986 (cited by Labcorp Genetics (formerly Invitae), Labcorp); PubMed 19448635 (cited by Labcorp Genetics (formerly Invitae), Labcorp).

NM_006019.4(TCIRG1):c.2119-2A>C

Gene: TCIRG1 (T cell immune regulator 1, ATPase H+ transporting V0 subunit a3; plus strand). Cytogenetic location: 11q13.2.
Variant type: single nucleotide variant.
Coding change: c.2119-2A>C on transcript NM_006019.4 (MANE Select); the canonical splice acceptor site of the intron before coding-DNA position 2119, A replaced by C.
Molecular consequence: splice acceptor variant.
Genome position (GRCh38, 1-based): chr11:68,050,135, A>C. VCF-style: chr11-68050135-A-C. GRCh37 (hg19) VCF-style: chr11-67817602-A-C.
Other names: c.2119-2A>C (NM_006019.3); c.1225-2A>C (NM_001351059.2); c.1471-2A>C (NM_006053.4).
Identifiers: ClinVar variation 2735684 (VCV002735684.5), dbSNP rs2495667681, ClinGen allele CA381589951.
Genomic context (GRCh38, chr11:68,050,135, plus strand): 5'-AGTGCCTTCCTGGGGGTGGGACGGCTGAGGCCCTGCCGGCCCTCACTGCACCCGCCCCGC[A>C]GCTCGTCCCCTCCGAGGTGCTCATGCACCAGGCCATCCACACCATCGAGTTCTGCCTGGG-3'